The following is an entry in ClinVar:

NM_004994.3(MMP9):c.1483_1484insACCT (p.Gly495fs)

Gene: MMP9 (matrix metallopeptidase 9; plus strand). Cytogenetic location: 20q13.12.
Variant type: Insertion.
Coding change: c.1483_1484insACCT on transcript NM_004994.3 (MANE Select); coding-DNA positions 1483 to 1484, ACCT inserted.
Protein change: p.Gly495fs; shifts the reading frame from glycine 495.
Molecular consequence: frameshift variant.
Genome position: GRCh38 VCF-style: chr20-46013407-G-GACCT. GRCh37 (hg19) VCF-style: chr20-44642046-G-GACCT.
Other names: short protein forms G495fs.
Identifiers: ClinVar variation 3641489 (VCV003641489.2).

ClinVar aggregate classification (germline): Uncertain significance (1 of 4 stars; one submission).

Submission:

Labcorp Genetics (formerly Invitae), Labcorp
Classification: Uncertain significance. Last evaluated: 2024-10-30. Review status: criteria provided, single submitter. Criteria: Invitae Variant Classification Sherloc (09022015). Collection method: clinical testing. Allele origin: germline.
Comment: This sequence change creates a premature translational stop signal (p.Gly495Aspfs*51) in the MMP9 gene. It is expected to result in an absent or disrupted protein product. However, the current clinical and genetic evidence is not sufficient to establish whether loss-of-function variants in MMP9 cause disease. This variant is present in population databases (rs754381738, gnomAD 0.003%). This variant has not been reported in the literature in individuals affected with MMP9-related conditions. In summary, the available evidence is currently insufficient to determine the role of this variant in disease. Therefore, it has been classified as a Variant of Uncertain Significance.